The following is an entry in ClinVar:

NM_006231.4(POLE):c.4126G>A (p.Glu1376Lys)

Gene: POLE (DNA polymerase epsilon, catalytic subunit; minus strand). Cytogenetic location: 12q24.33.
Variant type: single nucleotide variant.
Coding change: c.4126G>A on transcript NM_006231.4 (MANE Select); coding-DNA position 4126, G replaced by A.
Protein change: p.Glu1376Lys; replaces glutamic acid 1376 with lysine.
Molecular consequence: missense variant.
Genome position (GRCh38, 1-based): chr12:132,648,952, C>T on the plus strand (G>A on the coding strand, the complement: POLE is on the minus strand). VCF-style: chr12-132648952-C-T. GRCh37 (hg19) VCF-style: chr12-133225538-C-T.
Other names: short protein forms E1376K.
Identifiers: ClinVar variation 2822852 (VCV002822852.3), dbSNP rs2541939953, ClinGen allele CA387383642.

ClinVar aggregate classification (germline): Uncertain significance (1 of 4 stars; one submission).

Allele frequency attached by ClinVar (database versions not stated): gnomAD exomes below 0.00001.
gnomAD v4.1: 3 of 1,613,812 alleles (0.00019%); highest among the groups gnomAD compares: Non-Finnish European, 0.00025%; no homozygotes.

Submission:

Labcorp Genetics (formerly Invitae), Labcorp
Classification: Uncertain significance. Last evaluated: 2022-12-21. Review status: criteria provided, single submitter. Criteria: Invitae Variant Classification Sherloc (09022015). Collection method: clinical testing. Allele origin: germline.
Comment: This variant has not been reported in the literature in individuals affected with POLE-related conditions. In summary, the available evidence is currently insufficient to determine the role of this variant in disease. Therefore, it has been classified as a Variant of Uncertain Significance. Advanced modeling of protein sequence and biophysical properties (such as structural, functional, and spatial information, amino acid conservation, physicochemical variation, residue mobility, and thermodynamic stability) performed at Invitae indicates that this missense variant is not expected to disrupt POLE protein function. This variant is not present in population databases (gnomAD no frequency). This sequence change replaces glutamic acid, which is acidic and polar, with lysine, which is basic and polar, at codon 1376 of the POLE protein (p.Glu1376Lys).